The following is an entry in ClinVar:

NM_007254.4(PNKP):c.667G>A (p.Gly223Arg)

Gene: PNKP (polynucleotide kinase 3'-phosphatase; minus strand). Cytogenetic location: 19q13.33.
Variant type: single nucleotide variant.
Coding change: c.667G>A on transcript NM_007254.4 (MANE Select); coding-DNA position 667, G replaced by A.
Protein change: p.Gly223Arg; replaces glycine 223 with arginine.
Molecular consequence: missense variant.
Genome position (GRCh38, 1-based): chr19:49,864,041, C>T on the plus strand (G>A on the coding strand, the complement: PNKP is on the minus strand). VCF-style: chr19-49864041-C-T. GRCh37 (hg19) VCF-style: chr19-50367298-C-T.
Other names: short protein forms G223R.
Identifiers: ClinVar variation 946707 (VCV000946707.6), dbSNP rs764562312, ClinGen allele CA9586832.

ClinVar aggregate classification (germline): Uncertain significance (1 of 4 stars; one submission).

Conditions:
Developmental and epileptic encephalopathy, 12 (DEE12). Identifiers: MedGen C3150988, MONDO:0013389, OMIM 613722.

Allele frequency attached by ClinVar (database versions not stated): ExAC 0.00001; gnomAD 0.00001; gnomAD exomes 0.00001; TOPMed 0.00001.
gnomAD v4.1: 8 of 1,613,826 alleles (0.0005%); highest among the groups gnomAD compares: African/African-American, 0.0027%; no homozygotes.

Submission:

Labcorp Genetics (formerly Invitae), Labcorp
Classification: Uncertain significance for Developmental and epileptic encephalopathy, 12. Last evaluated: 2022-06-22. Review status: criteria provided, single submitter. Criteria: Invitae Variant Classification Sherloc (09022015). Collection method: clinical testing. Allele origin: germline.
Comment: In summary, the available evidence is currently insufficient to determine the role of this variant in disease. Therefore, it has been classified as a Variant of Uncertain Significance. Algorithms developed to predict the effect of missense changes on protein structure and function are either unavailable or do not agree on the potential impact of this missense change (SIFT: "Deleterious"; PolyPhen-2: "Probably Damaging"; Align-GVGD: "Class C0"). ClinVar contains an entry for this variant (Variation ID: 946707). This variant has not been reported in the literature in individuals affected with PNKP-related conditions. The frequency data for this variant in the population databases is considered unreliable, as metrics indicate poor data quality at this position in the gnomAD database. This sequence change replaces glycine, which is neutral and non-polar, with arginine, which is basic and polar, at codon 223 of the PNKP protein (p.Gly223Arg).